The following is an entry in ClinVar:

ClinVar aggregate classification (germline): Pathogenic (1 of 4 stars; one submission).

Conditions:
Cernunnos-XLF deficiency (IMD124). Also called: NHEJ1 SYNDROME; Severe combined immunodeficiency with sensitivity to ionizing radiation due to NHEJ1 deficiency; SCID, autosomal recessive, T cell-negative, B cell-negative, NK cell-positive, and sensitivity to ionizing radiation due to NHEJ1 deficiency; IMMUNODEFICIENCY 124, SEVERE COMBINED; SCID, AUTOSOMAL RECESSIVE, T CELL-NEGATIVE, B CELL-NEGATIVE, NK CELL-POSITIVE, WITH MICROCEPHALY, GROWTH RETARDATION, AND SENSITIVITY TO IONIZING RADIATION. Identifiers: Orphanet 169079, MedGen C1969799, MONDO:0012650, OMIM 611291.

Submission:

Labcorp Genetics (formerly Invitae), Labcorp
Classification: Pathogenic for Cernunnos-XLF deficiency. Last evaluated: 2025-11-18. Review status: criteria provided, single submitter. Criteria: Invitae Variant Classification Sherloc (09022015). Collection method: clinical testing. Allele origin: germline.
Comment: This sequence change creates a premature translational stop signal (p.Glu182Aspfs*13) in the NHEJ1 gene. It is expected to result in an absent or disrupted protein product. Loss-of-function variants in NHEJ1 are known to be pathogenic (PMID: 16439204, 20597108). This variant is not present in population databases (gnomAD no frequency). This variant has not been reported in the literature in individuals affected with NHEJ1-related conditions. ClinVar contains an entry for this variant (Variation ID: 2968501). For these reasons, this variant has been classified as Pathogenic.

Literature cited by the submitters: PubMed 16439204; PubMed 20597108.

NM_024782.3(NHEJ1):c.546del (p.Glu182fs)

Gene: NHEJ1 (non-homologous end joining factor 1; minus strand). Cytogenetic location: 2q35.
Variant type: Deletion.
Coding change: c.546del on transcript NM_024782.3 (MANE Select); coding-DNA position 546, one base deleted (A; older notation c.546delA).
Protein change: p.Glu182fs; shifts the reading frame from glutamic acid 182.
Molecular consequence: frameshift variant. On other transcripts: non-coding transcript variant (1).
Genome position (GRCh38, 1-based): chr2:219,146,722, T deleted on the plus strand (A on the coding strand, the reverse complement: NHEJ1 is on the minus strand); the first of 2 consecutive T bases (chr2:219,146,722-219,146,723); deleting either gives the same sequence. VCF-style (leftmost placement, unchanged base first): chr2-219146721-GT-G. GRCh37 (hg19) VCF-style: chr2-220011443-GT-G.
Other names: c.546del, p.Glu182fs (NM_001377498.1, NM_001377499.1); short protein forms E182fs.
Identifiers: ClinVar variation 2968501 (VCV002968501.3), dbSNP rs1430712125, ClinGen allele CA764937584.
Genomic context (GRCh38, chr2:219,146,721, plus strand): 5'-AAAATGACAAATACCTTACCTCTATCATAAATTGTTCCAAGAAGGAATTTTCTTCAAATG[GT>G]TCTGTCTTCAATCGATCTGTAATAAGAAGGATCAGAAAAAAGAAATATGAGTCATACAGG-3'